The following is an entry in ClinVar:

NM_001165967.2(HES7):c.389A>C (p.Tyr130Ser)

Gene: HES7 (hes family bHLH transcription factor 7; minus strand). Cytogenetic location: 17p13.1.
Variant type: single nucleotide variant.
Coding change: c.389A>C on transcript NM_001165967.2 (MANE Select); coding-DNA position 389, A replaced by C.
Protein change: p.Tyr130Ser; replaces tyrosine 130 with serine.
Molecular consequence: missense variant.
Genome position (GRCh38, 1-based): chr17:8,121,875, T>G on the plus strand (A>C on the coding strand, the complement: HES7 is on the minus strand). VCF-style: chr17-8121875-T-G. GRCh37 (hg19) VCF-style: chr17-8025193-T-G.
Other names: c.374A>C, p.Tyr125Ser (NM_032580.4); short protein forms Y125S, Y130S.
Identifiers: ClinVar variation 1926469 (VCV001926469.2), dbSNP rs769601476, ClinGen allele CA397988364.

ClinVar aggregate classification (germline): Uncertain significance (1 of 4 stars; one submission).

gnomAD v4.1: 2 of 1,571,670 alleles (0.00013%); highest among the groups gnomAD compares: Admixed American, 0.0035%; no homozygotes.

Submission:

Labcorp Genetics (formerly Invitae), Labcorp
Classification: Uncertain significance. Last evaluated: 2022-05-26. Review status: criteria provided, single submitter. Criteria: Invitae Variant Classification Sherloc (09022015). Collection method: clinical testing. Allele origin: germline.
Comment: This sequence change replaces tyrosine, which is neutral and polar, with serine, which is neutral and polar, at codon 125 of the HES7 protein (p.Tyr125Ser). This variant is not present in population databases (gnomAD no frequency). This variant has not been reported in the literature in individuals affected with HES7-related conditions. Algorithms developed to predict the effect of missense changes on protein structure and function are either unavailable or do not agree on the potential impact of this missense change (SIFT: "Deleterious"; PolyPhen-2: "Probably Damaging"; Align-GVGD: "Class C0"). In summary, the available evidence is currently insufficient to determine the role of this variant in disease. Therefore, it has been classified as a Variant of Uncertain Significance.